The following is an entry in ClinVar:

ClinVar aggregate classification (germline): Uncertain significance. Review status: criteria provided, multiple submitters, no conflicts (2 of 4 stars). 2 submissions from 2 submitters: Uncertain significance (2). Last evaluated 2024-06-13.

Conditions:
DICER1-related tumor predisposition. Also called: DICER1 syndrome; DICER1-related pleuropulmonary blastoma cancer predisposition syndrome. Identifiers: Orphanet 284343, MedGen C3839822, MONDO:0100216.
Hereditary cancer-predisposing syndrome. Also called: Hereditary neoplastic syndrome; Neoplastic Syndromes, Hereditary; Tumor predisposition; Hereditary Cancer Syndrome. Identifiers: Orphanet 140162, MedGen C0027672, MeSH D009386, MONDO:0015356.

Submissions (2):

Labcorp Genetics (formerly Invitae), Labcorp
Classification: Uncertain significance for DICER1-related tumor predisposition. Last evaluated: 2024-06-13. Review status: criteria provided, single submitter. Criteria: Invitae Variant Classification Sherloc (09022015). Collection method: clinical testing. Allele origin: germline.
Comment: This sequence change replaces proline, which is neutral and non-polar, with threonine, which is neutral and polar, at codon 8 of the DICER1 protein (p.Pro8Thr). This variant is not present in population databases (gnomAD no frequency). This variant has not been reported in the literature in individuals affected with DICER1-related conditions. ClinVar contains an entry for this variant (Variation ID: 1041767). Algorithms developed to predict the effect of missense changes on protein structure and function output the following: SIFT: "Not Available"; PolyPhen-2: "Benign"; Align-GVGD: "Not Available". The threonine amino acid residue is found in multiple mammalian species, which suggests that this missense change does not adversely affect protein function. In summary, the available evidence is currently insufficient to determine the role of this variant in disease. Therefore, it has been classified as a Variant of Uncertain Significance.

Ambry Genetics
Classification: Uncertain significance for Hereditary cancer-predisposing syndrome. Last evaluated: 2022-12-20. Review status: criteria provided, single submitter. Criteria: Ambry Variant Classification Scheme 2023. Collection method: clinical testing. Allele origin: germline.
Comment: The p.P8T variant (also known as c.22C>A), located in coding exon 1 of the DICER1 gene, results from a C to A substitution at nucleotide position 22. The proline at codon 8 is replaced by threonine, an amino acid with highly similar properties. This amino acid position is not well conserved in available vertebrate species. In addition, this alteration is predicted to be tolerated by in silico analysis. Since supporting evidence is limited at this time, the clinical significance of this alteration remains unclear.

NM_177438.3(DICER1):c.22C>A (p.Pro8Thr)

Gene: DICER1 (dicer 1, ribonuclease III; minus strand). Cytogenetic location: 14q32.13.
Variant type: single nucleotide variant.
Coding change: c.22C>A on transcript NM_177438.3 (MANE Select); coding-DNA position 22, C replaced by A.
Protein change: p.Pro8Thr; replaces proline 8 with threonine.
Molecular consequence: missense variant.
Genome position (GRCh38, 1-based): chr14:95,133,437, G>T on the plus strand (C>A on the coding strand, the complement: DICER1 is on the minus strand). VCF-style: chr14-95133437-G-T. GRCh37 (hg19) VCF-style: chr14-95599774-G-T.
Other names: c.22C>A, p.Pro8Thr (NM_001195573.1, NM_001271282.3, NM_001291628.2 and 1 more transcripts); c.22C>A (NM_177438.2); short protein forms P8T.
Identifiers: ClinVar variation 1041767 (VCV001041767.11), dbSNP rs748788519, ClinGen allele CA390890785.